The following is an entry in ClinVar:

ClinVar aggregate classification (germline): Uncertain significance (1 of 4 stars; one submission).

Conditions:
POLD1-related polyposis and colorectal cancer syndrome (CRCS10). Also called: Colorectal cancer 10; COLORECTAL CANCER, SUSCEPTIBILITY TO, ON CHROMOSOME 19q; Colorectal cancer, susceptibility to, 10. Identifiers: Orphanet 220460, MedGen C2675481, MONDO:0012953, OMIM 612591.

Submission:

Labcorp Genetics (formerly Invitae), Labcorp
Classification: Uncertain significance for POLD1-related polyposis and colorectal cancer syndrome. Last evaluated: 2019-10-31. Review status: criteria provided, single submitter. Criteria: Invitae Variant Classification Sherloc (09022015). Collection method: clinical testing. Allele origin: germline.
Comment: This variant is not present in population databases (ExAC no frequency). In summary, the available evidence is currently insufficient to determine the role of this variant in disease. Therefore, it has been classified as a Variant of Uncertain Significance. Algorithms developed to predict the effect of missense changes on protein structure and function do not agree on the potential impact of this missense change (SIFT: "Deleterious"; PolyPhen-2: "Probably Damaging"; Align-GVGD: "Class C0"). This variant has not been reported in the literature in individuals with POLD1-related disease. This sequence change replaces leucine with proline at codon 1047 of the POLD1 protein (p.Leu1047Pro). The leucine residue is highly conserved and there is a moderate physicochemical difference between leucine and proline.

NM_002691.4(POLD1):c.3140T>C (p.Leu1047Pro)

Gene: POLD1 (DNA polymerase delta 1, catalytic subunit; plus strand). Cytogenetic location: 19q13.33.
Variant type: single nucleotide variant.
Coding change: c.3140T>C on transcript NM_002691.4 (MANE Select); coding-DNA position 3140, T replaced by C.
Protein change: p.Leu1047Pro; replaces leucine 1047 with proline.
Molecular consequence: missense variant. On other transcripts: non-coding transcript variant (1).
Genome position (GRCh38, 1-based): chr19:50,417,191, T>C. VCF-style: chr19-50417191-T-C. GRCh37 (hg19) VCF-style: chr19-50920448-T-C.
Other names: c.3140T>C, p.Leu1047Pro (NM_001256849.1); c.3218T>C, p.Leu1073Pro (NM_001308632.1); short protein forms L1047P, L1073P.
Identifiers: ClinVar variation 580454 (VCV000580454.10), dbSNP rs1568641614, ClinGen allele CA406987302.